The following is an entry in ClinVar:

NM_000138.5(FBN1):c.1856C>T (p.Thr619Ile)

Gene: FBN1 (fibrillin 1; minus strand). Cytogenetic location: 15q21.1.
Variant type: single nucleotide variant.
Coding change: c.1856C>T on transcript NM_000138.5 (MANE Select); coding-DNA position 1856, C replaced by T.
Protein change: p.Thr619Ile; replaces threonine 619 with isoleucine.
Molecular consequence: missense variant.
Genome position (GRCh38, 1-based): chr15:48,505,129, G>A on the plus strand (C>T on the coding strand, the complement: FBN1 is on the minus strand). VCF-style: chr15-48505129-G-A. GRCh37 (hg19) VCF-style: chr15-48797326-G-A.
Other names: c.1856C>T, p.Thr619Ile (NM_001406716.1); short protein forms T619I.
Identifiers: ClinVar variation 3074563 (VCV003074563.1), dbSNP rs377686210, ClinGen allele CA392339169.
Genomic context (GRCh38, chr15:48,505,129, plus strand): 5'-CATTCACATCTGTAGGAGCCATCAGTGTTGACGCAACGCCCATTCATGCAGATCCCAGGG[G>A]TTTCACACTCGTTAATGTCTGTGGCAGAGAAAGGCACTTATTAAAAATGAAGTGACATTT-3'
Protein context (NP_000129.3, residues 609-629): RYCKDINECE[Thr619Ile]PGICMNGRCV

ClinVar aggregate classification (germline): Uncertain significance (1 of 4 stars; one submission).

Conditions:
Marfan syndrome (MFS). Also called: MARFAN SYNDROME, TYPE I; Marfan syndrome type 1; Marfan's syndrome; Marfan syndrome, classic; FBN1-Related Marfan Syndrome. Identifiers: Orphanet 284963, Orphanet 558, MedGen C0024796, MONDO:0007947, OMIM 154700.

Submission:

All of Us Research Program, National Institutes of Health
Classification: Uncertain significance for Marfan syndrome. Last evaluated: 2023-11-20. Review status: criteria provided, single submitter. Criteria: ACMG Guidelines, 2015. Collection method: clinical testing. Allele origin: germline. Inheritance: Autosomal dominant inheritance. Observed: 1 variant allele, 1 heterozygote.
Comment: This missense variant replaces threonine with isoleucine at codon 619 of the FBN1 protein. Computational prediction is inconclusive regarding the impact of this variant on protein structure and function (internally defined REVEL score threshold 0.5 < inconclusive < 0.7, PMID: 27666373). To our knowledge, functional studies have not been reported for this variant. This variant has not been reported in individuals affected with FBN1-related disorders in the literature. This variant has not been identified in the general population by the Genome Aggregation Database (gnomAD). The available evidence is insufficient to determine the role of this variant in disease conclusively. Therefore, this variant is classified as a Variant of Uncertain Significance.

This study involves interpretation of variants in research participants for the purpose of population health screening. Participant phenotype was not available at the time of variant classification. Additional details can be found in publication PMID: 35346344, PMCID: PMC8962531